The following is an entry in ClinVar:

NM_006907.4(PYCR1):c.576T>C (p.Gly192=)

Gene: PYCR1 (pyrroline-5-carboxylate reductase 1; minus strand). Cytogenetic location: 17q25.3.
Variant type: single nucleotide variant.
Coding change: c.576T>C on transcript NM_006907.4 (MANE Select); coding-DNA position 576, T replaced by C.
Protein change: p.Gly192=; no amino-acid change (glycine 192 retained).
Molecular consequence: synonymous variant. On other transcripts: intron variant (1).
Genome position (GRCh38, 1-based): chr17:81,934,710, A>G on the plus strand (T>C on the coding strand, the complement: PYCR1 is on the minus strand). VCF-style: chr17-81934710-A-G. GRCh37 (hg19) VCF-style: chr17-79892586-A-G.
Other names: c.576T>C, p.Gly192= (NM_001282280.2, NM_001330523.2, NM_153824.3); c.657T>C, p.Gly219= (NM_001282281.2); c.540+216T>C (NM_001282279.2).
Identifiers: ClinVar variation 325906 (VCV000325906.13), dbSNP rs872029, ClinGen allele CA8845381.
Genomic context (GRCh38, chr17:81,934,710, plus strand): 5'-GACCAGGAGGGCCTGGGCCCCGAGGCGGACTGCCAGGCGCCTTGGAAGTCCCATCTTCAC[A>G]CCCCCATCAGCCAGGGCATCCAGGGCTGTGAATGCCTGTGGGGAGAAGGCACCCTGAGCC-3'
Protein context (NP_008838.2, residues 182-202): FTALDALADG[Gly192=]VKMGLPRRLA

ClinVar aggregate classification (germline): Benign. Review status: criteria provided, multiple submitters, no conflicts (2 of 4 stars). 4 submissions from 4 submitters: Benign (4). Last evaluated 2026-02-04.

Conditions:
Cutis laxa. Identifiers: Orphanet 209, MedGen C0010495, MONDO:0016175, HP:0000973.

Allele frequency attached by ClinVar (database versions not stated): gnomAD exomes 0.00647 and 0.01589; ExAC 0.04029; gnomAD 0.06716 and 0.07170; 1000 Genomes Project 0.06809; ESP Exome Variant Server 0.07043; 1000 Genomes Project 30x 0.07074; TOPMed 0.07528.
gnomAD v4.1: 19,826 of 1,570,524 alleles (1.3%); highest among the groups gnomAD compares: African/African-American, 24%; 2,175 homozygotes.

Submissions (4):

Labcorp Genetics (formerly Invitae), Labcorp
Classification: Benign. Last evaluated: 2026-02-04. Review status: criteria provided, single submitter. Criteria: Invitae Variant Classification Sherloc (09022015). Collection method: clinical testing. Allele origin: germline.

Illumina Laboratory Services, Illumina
Classification: Benign for Cutis laxa. Last evaluated: 2018-01-13. Review status: criteria provided, single submitter. Criteria: ICSL Variant Classification Criteria 13 December 2019. Collection method: clinical testing. Allele origin: germline.
Comment: This variant was observed in the ICSL laboratory as part of a predisposition screen in an ostensibly healthy population. It had not been previously curated by ICSL or reported in the Human Gene Mutation Database (HGMD: prior to June 1st, 2018), and was therefore a candidate for classification through an automated scoring system. Utilizing variant allele frequency, disease prevalence and penetrance estimates, and inheritance mode, an automated score was calculated to assess if this variant is too frequent to cause the disease. Based on the score and internal cut-off values, a variant classified as benign is not then subjected to further curation. The score for this variant resulted in a classification of benign for this disease.

GeneDx
Classification: Benign. Last evaluated: 2016-10-20. Review status: criteria provided, single submitter. Criteria: GeneDx Variant Classification (06012015). Collection method: clinical testing. Allele origin: germline. Affected: yes.
Comment: This variant is considered likely benign or benign based on one or more of the following criteria: it is a conservative change, it occurs at a poorly conserved position in the protein, it is predicted to be benign by multiple in silico algorithms, and/or has population frequency not consistent with disease.

Breakthrough Genomics
Classification: Benign. Review status: criteria provided, single submitter. Criteria: ACMG Guidelines, 2015. Collection method: not provided. Allele origin: germline. Inheritance: Autosomal recessive inheritance. Affected: yes.